The following is an entry in ClinVar:

ClinVar aggregate classification (germline): Uncertain significance (1 of 4 stars; one submission).

Conditions:
Leukocyte adhesion deficiency 3. Also called: Leukocyte adhesion deficiency, type III; INTEGRIN ACTIVATION DEFICIENCY DISEASE; LEUKOCYTE ADHESION DEFICIENCY 1 VARIANT. Identifiers: Orphanet 2968, Orphanet 99844, MedGen C2748536, MONDO:0013016, OMIM 612840.

Allele frequency attached by ClinVar (database versions not stated): gnomAD 0.00001; TOPMed 0.00002; gnomAD exomes 0.00003.
gnomAD v4.1: 41 of 1,609,856 alleles (0.0025%); highest among the groups gnomAD compares: Non-Finnish European, 0.0034%; no homozygotes.

Submission:

Labcorp Genetics (formerly Invitae), Labcorp
Classification: Uncertain significance for Leukocyte adhesion deficiency 3. Last evaluated: 2025-01-27. Review status: criteria provided, single submitter. Criteria: Invitae Variant Classification Sherloc (09022015). Collection method: clinical testing. Allele origin: germline.
Comment: This sequence change replaces histidine, which is basic and polar, with arginine, which is basic and polar, at codon 660 of the FERMT3 protein (p.His660Arg). This variant is present in population databases (no rsID available, gnomAD 0.0009%). This variant has not been reported in the literature in individuals affected with FERMT3-related conditions. ClinVar contains an entry for this variant (Variation ID: 1944303). Invitae Evidence Modeling of protein sequence and biophysical properties (such as structural, functional, and spatial information, amino acid conservation, physicochemical variation, residue mobility, and thermodynamic stability) indicates that this missense variant is not expected to disrupt FERMT3 protein function with a negative predictive value of 80%. In summary, the available evidence is currently insufficient to determine the role of this variant in disease. Therefore, it has been classified as a Variant of Uncertain Significance.

NM_031471.6(FERMT3):c.1979A>G (p.His660Arg)

Gene: FERMT3 (FERM domain containing kindlin 3; plus strand). Cytogenetic location: 11q13.1.
Variant type: single nucleotide variant.
Coding change: c.1979A>G on transcript NM_031471.6 (MANE Select); coding-DNA position 1979, A replaced by G.
Protein change: p.His660Arg; replaces histidine 660 with arginine.
Molecular consequence: missense variant.
Genome position (GRCh38, 1-based): chr11:64,223,479, A>G. VCF-style: chr11-64223479-A-G. GRCh37 (hg19) VCF-style: chr11-63990951-A-G.
Other names: c.1979A>G, p.His660Arg (NM_001382361.1, NM_001382448.1); c.1991A>G, p.His664Arg (NM_001382362.1, NM_178443.3); c.1439A>G, p.His480Arg (NM_001382363.1); c.1451A>G, p.His484Arg (NM_001382364.1); short protein forms H484R, H480R, H660R, H664R.
Identifiers: ClinVar variation 1944303 (VCV001944303.4), dbSNP rs977349618, ClinGen allele CA223848481.
Genomic context (GRCh38, chr11:64,223,479, plus strand): 5'-GGGAGCGGGCCCGTGGGGAGGAGCTGGATGAAGACCTCTTCCTGCAGCTCACCGGGGGCC[A>G]TGAGGCCTTCTGAGGGCTGTCTGATTGCCCCTGCCCTGCTCACCACCCTGTCACAGCCAC-3'
Protein context (NP_113659.3, residues 650-663): EDLFLQLTGG[His660Arg]EAF